The following is an entry in ClinVar:

NM_000548.5(TSC2):c.2488C>T (p.Leu830Phe)

Gene: TSC2 (TSC complex subunit 2; plus strand). Cytogenetic location: 16p13.3.
Variant type: single nucleotide variant.
Coding change: c.2488C>T on transcript NM_000548.5 (MANE Select); coding-DNA position 2488, C replaced by T.
Protein change: p.Leu830Phe; replaces leucine 830 with phenylalanine.
Molecular consequence: missense variant.
Genome position (GRCh38, 1-based): chr16:2,074,332, C>T. VCF-style: chr16-2074332-C-T. GRCh37 (hg19) VCF-style: chr16-2124333-C-T.
Other names: c.2488C>T, p.Leu830Phe (NM_001077183.3, NM_001114382.3, NM_001363528.2 and 3 more transcripts); c.2377C>T, p.Leu793Phe (NM_001318827.2); c.2341C>T, p.Leu781Phe (NM_001318829.2); c.1888C>T, p.Leu630Phe (NM_001318831.2); c.2521C>T, p.Leu841Phe (NM_001318832.2); short protein forms L793F, L781F, L830F, L841F, L630F.
Identifiers: ClinVar variation 651466 (VCV000651466.2), dbSNP rs1596356808, ClinGen allele CA394277759.

ClinVar aggregate classification (germline): Uncertain significance. Review status: criteria provided, multiple submitters, no conflicts (2 of 4 stars). 2 submissions from 2 submitters: Uncertain significance (2). Last evaluated 2023-01-31.

Conditions:
Hereditary cancer-predisposing syndrome. Also called: Hereditary Cancer Syndrome; Tumor predisposition; Neoplastic Syndromes, Hereditary; Hereditary neoplastic syndrome. Identifiers: Orphanet 140162, MedGen C0027672, MeSH D009386, MONDO:0015356.
Tuberous sclerosis 2 (TSC2). Identifiers: Orphanet 805, MedGen C1860707, MONDO:0013199, OMIM 613254.

Submissions (2):

Ambry Genetics
Classification: Uncertain significance for Hereditary cancer-predisposing syndrome. Last evaluated: 2023-01-31. Review status: criteria provided, single submitter. Criteria: Ambry Variant Classification Scheme 2023. Collection method: clinical testing. Allele origin: germline.
Comment: The p.L830F variant (also known as c.2488C>T), located in coding exon 21 of the TSC2 gene, results from a C to T substitution at nucleotide position 2488. The leucine at codon 830 is replaced by phenylalanine, an amino acid with highly similar properties. This amino acid position is conserved. In addition, this alteration is predicted to be deleterious by in silico analysis. Since supporting evidence is limited at this time, the clinical significance of this alteration remains unclear.

Labcorp Genetics (formerly Invitae), Labcorp
Classification: Uncertain significance for Tuberous sclerosis 2. Last evaluated: 2018-12-30. Review status: criteria provided, single submitter. Criteria: Invitae Variant Classification Sherloc (09022015). Collection method: clinical testing. Allele origin: germline.
Comment: This sequence change replaces leucine with phenylalanine at codon 830 of the TSC2 protein (p.Leu830Phe). The leucine residue is highly conserved and there is a small physicochemical difference between leucine and phenylalanine. This variant is not present in population databases (ExAC no frequency). This variant has not been reported in the literature in individuals with TSC2-related conditions. Algorithms developed to predict the effect of missense changes on protein structure and function are either unavailable or do not agree on the potential impact of this missense change (SIFT: "Deleterious"; PolyPhen-2: "Probably Damaging"; Align-GVGD: "Class C0"). In summary, the available evidence is currently insufficient to determine the role of this variant in disease. Therefore, it has been classified as a Variant of Uncertain Significance.